The following is an entry in ClinVar:

ClinVar aggregate classification (germline): Uncertain significance (1 of 4 stars; one submission).

Conditions:
Fanconi anemia (FA). Also called: Fanconi's anemia. Identifiers: Orphanet 84, MedGen C0015625, MeSH D005199, MONDO:0019391.

Allele frequency attached by ClinVar (database versions not stated): gnomAD 0.00001; ESP Exome Variant Server 0.00008; TOPMed 0.00002.
gnomAD v4.1: 17 of 1,607,096 alleles (0.0011%); highest among the groups gnomAD compares: Non-Finnish European, 0.0014%; no homozygotes.

Submission:

Labcorp Genetics (formerly Invitae), Labcorp
Classification: Uncertain significance for Fanconi anemia. Last evaluated: 2022-07-25. Review status: criteria provided, single submitter. Criteria: Invitae Variant Classification Sherloc (09022015). Collection method: clinical testing. Allele origin: germline.
Comment: This sequence change replaces leucine, which is neutral and non-polar, with valine, which is neutral and non-polar, at codon 724 of the FANCD2 protein (p.Leu724Val). This variant is present in population databases (rs201243424, gnomAD 0.0009%). This variant has not been reported in the literature in individuals affected with FANCD2-related conditions. ClinVar contains an entry for this variant (Variation ID: 1385306). Algorithms developed to predict the effect of missense changes on protein structure and function (SIFT, PolyPhen-2, Align-GVGD) all suggest that this variant is likely to be tolerated. In summary, the available evidence is currently insufficient to determine the role of this variant in disease. Therefore, it has been classified as a Variant of Uncertain Significance.

NM_001018115.3(FANCD2):c.2170T>G (p.Leu724Val)

Genes: FANCD2 (FA complementation group D2; plus strand), LOC107303338 (3p25 FANCD2 Alu-mediated recombination region; plus strand). Cytogenetic location: 3p25.3.
Variant type: single nucleotide variant.
Coding change: c.2170T>G on transcript NM_001018115.3 (MANE Select); coding-DNA position 2170, T replaced by G.
Protein change: p.Leu724Val; replaces leucine 724 with valine.
Molecular consequence: missense variant.
Genome position (GRCh38, 1-based): chr3:10,065,395, T>G. VCF-style: chr3-10065395-T-G. GRCh37 (hg19) VCF-style: chr3-10107079-T-G.
Other names: c.2170T>G, p.Leu724Val (NM_001319984.2, NM_001374254.1, NM_033084.6); c.2059T>G, p.Leu687Val (NM_001374253.1); short protein forms L687V, L724V.
Identifiers: ClinVar variation 1385306 (VCV001385306.5), dbSNP rs201243424, ClinGen allele CA70014805.
Genomic context (GRCh38, chr3:10,065,395, plus strand): 5'-ATGTACGTGGAGTAATACACCTATGAAGTGTGGTCTAGAAATTTATTTCTCCTTCTCAGA[T>G]TGGTGTCTCCGCTGTGCCTGGCTCCGTATTTCCGGTTACTGAGACTTTGTGTGGAGAGAC-3'
Protein context (NP_001018125.1, residues 714-734): PVTSQESGQK[Leu724Val]VSPLCLAPYF